The following is an entry in ClinVar:

ClinVar aggregate classification (germline): Uncertain significance (1 of 4 stars; one submission).

Submission:

Dasa
Classification: Uncertain significance. Last evaluated: 2025-02-28. Review status: criteria provided, single submitter. Criteria: DASA Assertion Criteria. Collection method: clinical testing. Allele origin: germline.
Comment: NM_025099.6(CTC1):c.1462C>T (p.His488Tyr) is a missense variant that results in the substitution of histidine with tyrosine. This variant is absent from population databases. Computational prediction algorithms are consistent with a benign effect. The currently available literature and clinical evidence are not sufficient to establish a definitive association between this variant and the reported condition. Therefore, this variant is classified as a variant of uncertain significance.

NM_025099.6(CTC1):c.1462C>T (p.His488Tyr)

Gene: CTC1 (CST telomere replication complex component 1; minus strand). Cytogenetic location: 17p13.1.
Variant type: single nucleotide variant.
Coding change: c.1462C>T on transcript NM_025099.6 (MANE Select); coding-DNA position 1462, C replaced by T.
Protein change: p.His488Tyr; replaces histidine 488 with tyrosine.
Molecular consequence: missense variant. On other transcripts: non-coding transcript variant (1).
Genome position (GRCh38, 1-based): chr17:8,234,904, G>A on the plus strand (C>T on the coding strand, the complement: CTC1 is on the minus strand). VCF-style: chr17-8234904-G-A. GRCh37 (hg19) VCF-style: chr17-8138222-G-A.
Other names: c.1462C>T, p.His488Tyr (NM_001411067.1); short protein forms H488Y.
Identifiers: ClinVar variation 4883363 (VCV004883363.2).
Genomic context (GRCh38, chr17:8,234,904, plus strand): 5'-CCAGGAGTTGCAGTCCCAGGCTGGGGCTCCCAGGAGAGGAATGTTGCAGGAACTGGTGGT[G>A]TCTCAGCACATGGGGACACAGCCTTGGCCAGGAAAAGCAGCACAGTCACTTCCCCTGAAG-3'
Protein context (NP_079375.3, residues 478-498): ACKLCPHVLR[His488Tyr]HQFLQHSSPG